The following is an entry in ClinVar:

ClinVar aggregate classification (germline): Uncertain significance. Review status: criteria provided, multiple submitters, no conflicts (2 of 4 stars). 2 submissions from 2 submitters: Uncertain significance (2). Last evaluated 2025-09-24.

Conditions:
Inborn genetic diseases. Identifiers: MedGen C0950123, MeSH D030342.
Congenital disorder of glycosylation type 1E (CDG1E). Also called: CDG Ie; CONGENITAL DISORDER OF GLYCOSYLATION, TYPE Ie. Identifiers: Orphanet 79322, MedGen C1837396, MONDO:0012123, OMIM 608799.

Allele frequency attached by ClinVar (database versions not stated): gnomAD 0.00001; gnomAD exomes 0.00002; TOPMed 0.00002.
gnomAD v4.1: 8 of 1,613,942 alleles (0.0005%); highest among the groups gnomAD compares: Admixed American, 0.01%; no homozygotes.

Submissions (2):

Ambry Genetics
Classification: Uncertain significance for Inborn genetic diseases. Last evaluated: 2025-09-24. Review status: criteria provided, single submitter. Criteria: Ambry Variant Classification Scheme 2023. Collection method: clinical testing. Allele origin: germline.

Labcorp Genetics (formerly Invitae), Labcorp
Classification: Uncertain significance for Congenital disorder of glycosylation type 1E. Last evaluated: 2022-10-19. Review status: criteria provided, single submitter. Criteria: Invitae Variant Classification Sherloc (09022015). Collection method: clinical testing. Allele origin: germline.
Comment: This sequence change replaces arginine, which is basic and polar, with methionine, which is neutral and non-polar, at codon 12 of the DPM1 protein (p.Arg12Met). This variant is present in population databases (rs559291357, gnomAD 0.01%). This variant has not been reported in the literature in individuals affected with DPM1-related conditions. ClinVar contains an entry for this variant (Variation ID: 1045042). Algorithms developed to predict the effect of missense changes on protein structure and function output the following: SIFT: "Tolerated"; PolyPhen-2: "Not Available"; Align-GVGD: "Class C0". The methionine amino acid residue is found in multiple mammalian species, which suggests that this missense change does not adversely affect protein function. In summary, the available evidence is currently insufficient to determine the role of this variant in disease. Therefore, it has been classified as a Variant of Uncertain Significance.

NM_003859.3(DPM1):c.35G>T (p.Arg12Met)

Genes: DPM1 (dolichyl-phosphate mannosyltransferase subunit 1, catalytic; minus strand), LOC130066166 (ATAC-STARR-seq lymphoblastoid active region 18108; plus strand). Cytogenetic location: 20q13.13.
Variant type: single nucleotide variant.
Coding change: c.35G>T on transcript NM_003859.3 (MANE Select); coding-DNA position 35, G replaced by T.
Protein change: p.Arg12Met; replaces arginine 12 with methionine.
Molecular consequence: missense variant. On other transcripts: non-coding transcript variant (1).
Genome position (GRCh38, 1-based): chr20:50,958,489, C>A on the plus strand (G>T on the coding strand, the complement: DPM1 is on the minus strand). VCF-style: chr20-50958489-C-A. GRCh37 (hg19) VCF-style: chr20-49575026-C-A.
Other names: c.35G>T (NM_003859.1); c.35G>T, p.Arg12Met (NM_001317034.1, NM_001317035.1, NM_001317036.1); short protein forms R12M.
Identifiers: ClinVar variation 1045042 (VCV001045042.7), dbSNP rs559291357, ClinGen allele CA315262949.